The following is an entry in ClinVar:

NM_001128840.3(CACNA1D):c.1450G>A (p.Glu484Lys)

Gene: CACNA1D (calcium voltage-gated channel subunit alpha1 D; plus strand). Cytogenetic location: 3p21.1.
Variant type: single nucleotide variant.
Coding change: c.1450G>A on transcript NM_001128840.3 (MANE Select); coding-DNA position 1450, G replaced by A.
Protein change: p.Glu484Lys; replaces glutamic acid 484 with lysine.
Molecular consequence: missense variant.
Genome position (GRCh38, 1-based): chr3:53,718,360, G>A. VCF-style: chr3-53718360-G-A. GRCh37 (hg19) VCF-style: chr3-53752387-G-A.
Other names: c.1450G>A, p.Glu484Lys (NM_000720.4, NM_001128839.3); short protein forms E484K.
Identifiers: ClinVar variation 1422619 (VCV001422619.8), dbSNP rs899802931, ClinGen allele CA74844690.

ClinVar aggregate classification (germline): Uncertain significance (1 of 4 stars; one submission).

Allele frequency attached by ClinVar (database versions not stated): gnomAD exomes 0.00001; TOPMed 0.00001; gnomAD 0.00003.
gnomAD v4.1: 20 of 1,614,050 alleles (0.0012%); highest among the groups gnomAD compares: Admixed American, 0.0067%; no homozygotes.

Submission:

Labcorp Genetics (formerly Invitae), Labcorp
Classification: Uncertain significance. Last evaluated: 2025-02-19. Review status: criteria provided, single submitter. Criteria: Invitae Variant Classification Sherloc (09022015). Collection method: clinical testing. Allele origin: germline.
Comment: This sequence change replaces glutamic acid, which is acidic and polar, with lysine, which is basic and polar, at codon 484 of the CACNA1D protein (p.Glu484Lys). This variant is present in population databases (no rsID available, gnomAD 0.004%). This variant has not been reported in the literature in individuals affected with CACNA1D-related conditions. ClinVar contains an entry for this variant (Variation ID: 1422619). Invitae Evidence Modeling of protein sequence and biophysical properties (such as structural, functional, and spatial information, amino acid conservation, physicochemical variation, residue mobility, and thermodynamic stability) indicates that this missense variant is not expected to disrupt CACNA1D protein function with a negative predictive value of 80%. In summary, the available evidence is currently insufficient to determine the role of this variant in disease. Therefore, it has been classified as a Variant of Uncertain Significance.